The following is an entry in ClinVar:

ClinVar aggregate classification (germline): Pathogenic (1 of 4 stars; one submission).

Conditions:
Hereditary cancer-predisposing syndrome. Also called: Neoplastic Syndromes, Hereditary; Tumor predisposition; Hereditary neoplastic syndrome; Hereditary Cancer Syndrome. Identifiers: Orphanet 140162, MedGen C0027672, MeSH D009386, MONDO:0015356.

Submission:

Ambry Genetics
Classification: Pathogenic for Hereditary cancer-predisposing syndrome. Last evaluated: 2023-12-08. Review status: criteria provided, single submitter. Criteria: Ambry Variant Classification Scheme 2023. Collection method: clinical testing. Allele origin: germline.
Comment: The c.74delA pathogenic mutation, located in coding exon 1 of the TMEM127 gene, results from a deletion of one nucleotide at nucleotide position 74, causing a translational frameshift with a predicted alternate stop codon (p.K25Sfs*56). This variant is considered to be rare based on population cohorts in the Genome Aggregation Database (gnomAD). This alteration is expected to result in loss of function by premature protein truncation or nonsense-mediated mRNA decay. As such, this alteration is interpreted as a disease-causing mutation.

NM_017849.4(TMEM127):c.74del (p.Lys25fs)

Genes: TMEM127 (transmembrane protein 127; minus strand), LOC129934333 (ATAC-STARR-seq lymphoblastoid silent region 11759; plus strand). Cytogenetic location: 2q11.2.
Variant type: Deletion.
Coding change: c.74del on transcript NM_017849.4 (MANE Select); coding-DNA position 74, one base deleted (A; older notation c.74delA).
Protein change: p.Lys25fs; shifts the reading frame from lysine 25.
Molecular consequence: frameshift variant. On other transcripts: intron variant (1).
Genome position (GRCh38, 1-based): chr2:96,265,308, T deleted on the plus strand (A on the coding strand, the reverse complement: TMEM127 is on the minus strand); the first of 2 consecutive T bases (chr2:96,265,308-96,265,309); deleting either gives the same sequence. VCF-style (leftmost placement, unchanged base first): chr2-96265307-CT-C. GRCh37 (hg19) VCF-style: chr2-96931045-CT-C.
Other names: c.74del, p.Lys25fs (NM_001193304.3); c.-9+561del (NM_001407283.1); c.74delA (NM_017849.3); short protein forms K25fs.
Identifiers: ClinVar variation 3227095 (VCV003227095.1), dbSNP rs1223474344, ClinGen allele CA895724645.